The following is an entry in ClinVar:

NM_024675.4(PALB2):c.1363A>C (p.Asn455His)

Gene: PALB2 (partner and localizer of BRCA2; minus strand). Cytogenetic location: 16p12.2.
Variant type: single nucleotide variant.
Coding change: c.1363A>C on transcript NM_024675.4 (MANE Select); coding-DNA position 1363, A replaced by C.
Protein change: p.Asn455His; replaces asparagine 455 with histidine.
Molecular consequence: missense variant. On other transcripts: intron variant (3).
Genome position (GRCh38, 1-based): chr16:23,635,183, T>G on the plus strand (A>C on the coding strand, the complement: PALB2 is on the minus strand). VCF-style: chr16-23635183-T-G. GRCh37 (hg19) VCF-style: chr16-23646504-T-G.
Other names: c.1303A>C, p.Asn435His (NM_001407296.1); c.1363A>C, p.Asn455His (NM_001407297.1, NM_001407298.1, NM_001407299.1 and 3 more transcripts); c.478A>C, p.Asn160His (NM_001407304.1, NM_001407305.1, NM_001407306.1 and 5 more transcripts); c.49-5908A>C (NM_001407314.1); c.-104-4714A>C (NM_001407313.1, NM_001407312.1); short protein forms N435H, N455H, N160H.
Identifiers: ClinVar variation 3413473 (VCV003413473.1).

ClinVar aggregate classification (germline): Uncertain significance (1 of 4 stars; one submission).

Conditions:
Hereditary cancer-predisposing syndrome. Also called: Neoplastic Syndromes, Hereditary; Tumor predisposition; Hereditary Cancer Syndrome; Hereditary neoplastic syndrome. Identifiers: Orphanet 140162, MedGen C0027672, MeSH D009386, MONDO:0015356.

gnomAD v4.1: 1 of 1,614,196 alleles (0.000062%); no homozygotes.

Submission:

Ambry Genetics
Classification: Uncertain significance for Hereditary cancer-predisposing syndrome. Last evaluated: 2024-09-30. Review status: criteria provided, single submitter. Criteria: Ambry Variant Classification Scheme 2023. Collection method: clinical testing. Allele origin: germline.
Comment: The p.N455H variant (also known as c.1363A>C), located in coding exon 4 of the PALB2 gene, results from an A to C substitution at nucleotide position 1363. The asparagine at codon 455 is replaced by histidine, an amino acid with similar properties. This amino acid position is conserved. In addition, this alteration is predicted to be tolerated by in silico analysis. Based on the available evidence, the clinical significance of this variant remains unclear.